The following is an entry in ClinVar:

NM_001257180.2(SLC20A2):c.104C>A (p.Thr35Lys)

Gene: SLC20A2 (solute carrier family 20 member 2; minus strand). Cytogenetic location: 8p11.21.
Variant type: single nucleotide variant.
Coding change: c.104C>A on transcript NM_001257180.2 (MANE Select); coding-DNA position 104, C replaced by A.
Protein change: p.Thr35Lys; replaces threonine 35 with lysine.
Molecular consequence: missense variant.
Genome position (GRCh38, 1-based): chr8:42,472,287, G>T on the plus strand (C>A on the coding strand, the complement: SLC20A2 is on the minus strand). VCF-style: chr8-42472287-G-T. GRCh37 (hg19) VCF-style: chr8-42329805-G-T.
Other names: c.104C>A, p.Thr35Lys (NM_001257181.2, NM_006749.5); short protein forms T35K.
Identifiers: ClinVar variation 645141 (VCV000645141.5), dbSNP rs1586140747, ClinGen allele CA371090061.

ClinVar aggregate classification (germline): Uncertain significance (1 of 4 stars; one submission).

Submission:

Labcorp Genetics (formerly Invitae), Labcorp
Classification: Uncertain significance. Last evaluated: 2018-12-13. Review status: criteria provided, single submitter. Criteria: Invitae Variant Classification Sherloc (09022015). Collection method: clinical testing. Allele origin: germline.
Comment: In summary, the available evidence is currently insufficient to determine the role of this variant in disease. Therefore, it has been classified as a Variant of Uncertain Significance. Algorithms developed to predict the effect of sequence changes on RNA splicing suggest that this variant may create or strengthen a splice site, but this prediction has not been confirmed by published transcriptional studies. Algorithms developed to predict the effect of missense changes on protein structure and function are either unavailable or do not agree on the potential impact of this missense change (SIFT: "Deleterious"; PolyPhen-2: "Probably Damaging"; Align-GVGD: "Class C15"). This variant is not present in population databases (ExAC no frequency). This sequence change replaces threonine with lysine at codon 35 of the SLC20A2 protein (p.Thr35Lys). The threonine residue is highly conserved and there is a moderate physicochemical difference between threonine and lysine.